The following is an entry in ClinVar:

ClinVar aggregate classification (germline): Likely pathogenic (1 of 4 stars; one submission).

Submission:

Laboratorio de Genetica e Diagnostico Molecular, Hospital Israelita Albert Einstein
Classification: Likely pathogenic. Last evaluated: 2021-09-04. Review status: criteria provided, single submitter. Criteria: ACMG Guidelines, 2015. Collection method: clinical testing. Allele origin: germline. Affected: yes.
Comment: ACMG classification criteria: PVS1, PM2

NM_004260.4(RECQL4):c.1093del (p.Arg365fs)

Gene: RECQL4 (RecQ like helicase 4; minus strand). Cytogenetic location: 8q24.3.
Variant type: Deletion.
Coding change: c.1093del on transcript NM_004260.4 (MANE Select); coding-DNA position 1093, one base deleted (C; older notation c.1093delC).
Protein change: p.Arg365fs; shifts the reading frame from arginine 365.
Molecular consequence: frameshift variant.
Genome position (GRCh38, 1-based): chr8:144,516,026, G deleted on the plus strand (C on the coding strand, the reverse complement: RECQL4 is on the minus strand). VCF-style (leftmost placement, unchanged base first): chr8-144516025-CG-C. GRCh37 (hg19) VCF-style: chr8-145741409-CG-C.
Other names: c.1093delC (NM_004260.4); short protein forms R365fs.
Identifiers: ClinVar variation 1691044 (VCV001691044.2), dbSNP rs2130716088, ClinGen allele CA2573142937.
Genomic context (GRCh38, chr8:144,516,025, plus strand): 5'-GTCCTGGCCCGTCGCTGTCTTACCTGCTTGCGGAGGAGCCTGCTACGGAGTGCCCGGCCC[CG>C]CACGTAGTGTTTCTGCTTCATGTTGAGCCGTACGTAATTGCCCCTGTCATGGCGGGCCAG-3'